The following is an entry in ClinVar:

ClinVar aggregate classification (germline): Uncertain significance (1 of 4 stars; one submission).

Submission:

GeneDx
Classification: Uncertain significance. Last evaluated: 2024-10-21. Review status: criteria provided, single submitter. Criteria: GeneDx Variant Classification Process June 2021. Collection method: clinical testing. Allele origin: germline. Affected: yes.
Comment: Not observed at significant frequency in large population cohorts (gnomAD); In silico analysis indicates that this missense variant does not alter protein structure/function; Has not been previously published as pathogenic or benign to our knowledge

NM_007118.4(TRIO):c.6689A>G (p.Glu2230Gly)

Gene: TRIO (trio Rho guanine nucleotide exchange factor; plus strand). Cytogenetic location: 5p15.2.
Variant type: single nucleotide variant.
Coding change: c.6689A>G on transcript NM_007118.4 (MANE Select); coding-DNA position 6689, A replaced by G.
Protein change: p.Glu2230Gly; replaces glutamic acid 2230 with glycine.
Molecular consequence: missense variant. On other transcripts: non-coding transcript variant (1).
Genome position (GRCh38, 1-based): chr5:14,485,100, A>G. VCF-style: chr5-14485100-A-G. GRCh37 (hg19) VCF-style: chr5-14485209-A-G.
Other names: short protein forms E2230G.
Identifiers: ClinVar variation 3781204 (VCV003781204.1).